The following is an entry in ClinVar:

ClinVar aggregate classification (germline): Benign. Review status: criteria provided, multiple submitters, no conflicts (2 of 4 stars). 3 submissions from 3 submitters: Benign (3). Last evaluated 2024-01-24.

Allele frequency attached by ClinVar (database versions not stated): gnomAD exomes 0.06496; gnomAD 0.09561 and 0.09954; TOPMed 0.10836; 1000 Genomes Project 30x 0.19503; 1000 Genomes Project 0.20188.
gnomAD v4.1: 40,461 of 544,870 alleles (7.4%); highest among the groups gnomAD compares: East Asian, 49%; 5,584 homozygotes.

Submissions (3):

Unidad de Genómica Garrahan, Hospital de Pediatría Garrahan
Classification: Benign. Last evaluated: 2024-01-24. Review status: criteria provided, single submitter. Criteria: ACMG Guidelines, 2015. Collection method: clinical testing. Allele origin: germline. Affected: no. Observed: 20 variant alleles.
Comment: This variant is classified as Benign based on local population frequency. This variant was detected in 21% of patients studied by a panel of primary immunodeficiencies. Number of patients: 20. Only high quality variants are reported.

GeneDx
Classification: Benign. Last evaluated: 2018-11-12. Review status: criteria provided, single submitter. Criteria: GeneDx Variant Classification Process June 2021. Collection method: clinical testing. Allele origin: germline. Affected: yes.

Breakthrough Genomics
Classification: Benign. Review status: criteria provided, single submitter. Criteria: ACMG Guidelines, 2015. Collection method: not provided. Allele origin: germline. Inheritance: Autosomal recessive inheritance. Affected: yes.

NM_006949.4(STXBP2):c.1357-281T>C

Gene: STXBP2 (syntaxin binding protein 2; plus strand). Cytogenetic location: 19p13.2.
Variant type: single nucleotide variant.
Coding change: c.1357-281T>C on transcript NM_006949.4 (MANE Select); 281 bases into the intron before coding-DNA position 1357, T replaced by C.
Molecular consequence: intron variant.
Genome position (GRCh38, 1-based): chr19:7,645,968, T>C. VCF-style: chr19-7645968-T-C. GRCh37 (hg19) VCF-style: chr19-7710854-T-C.
Other names: c.1390-281T>C (NM_001272034.2); c.1348-281T>C (NM_001127396.3).
Identifiers: ClinVar variation 1239710 (VCV001239710.6), dbSNP rs3786614, ClinGen allele CA14669695.